The following is an entry in ClinVar:

NM_001134363.3(RBM20):c.1276-8T>A

Gene: RBM20 (RNA binding motif protein 20; plus strand). Cytogenetic location: 10q25.2.
Variant type: single nucleotide variant.
Coding change: c.1276-8T>A on transcript NM_001134363.3 (MANE Select); 8 bases into the intron before coding-DNA position 1276, T replaced by A.
Molecular consequence: intron variant.
Genome position (GRCh38, 1-based): chr10:110,783,358, T>A. VCF-style: chr10-110783358-T-A. GRCh37 (hg19) VCF-style: chr10-112543116-T-A.
Other names: c.1276-8T>A (LRG_382t1).
Identifiers: ClinVar variation 298794 (VCV000298794.9), dbSNP rs886046704, ClinGen allele CA10634569.

ClinVar aggregate classification (germline): Uncertain significance. Review status: criteria provided, multiple submitters, no conflicts (2 of 4 stars). 3 submissions from 3 submitters: Uncertain significance (3). Last evaluated 2025-07-21.

Conditions:
Dilated cardiomyopathy 1DD (CMD1DD). Identifiers: Orphanet 154, MedGen C2750995, MONDO:0013168, OMIM 613172.

Allele frequency attached by ClinVar (database versions not stated): gnomAD 0.00001; TOPMed 0.00001.
gnomAD v4.1: 2 of 1,550,110 alleles (0.00013%); highest among the groups gnomAD compares: Non-Finnish European, 0.00017%; no homozygotes.

Submissions (3):

Labcorp Genetics (formerly Invitae), Labcorp
Classification: Uncertain significance for Dilated cardiomyopathy 1DD. Last evaluated: 2025-07-21. Review status: criteria provided, single submitter. Criteria: Invitae Variant Classification Sherloc (09022015). Collection method: clinical testing. Allele origin: germline.
Comment: This sequence change falls in intron 2 of the RBM20 gene. It does not directly change the encoded amino acid sequence of the RBM20 protein. This variant is not present in population databases (gnomAD no frequency). This variant has been observed in individual(s) with arrhythmogenic cardiomyopathy (internal data). ClinVar contains an entry for this variant (Variation ID: 298794). Algorithms developed to predict the effect of sequence changes on RNA splicing suggest that this variant may disrupt the consensus splice site. In summary, the available evidence is currently insufficient to determine the role of this variant in disease. Therefore, it has been classified as a Variant of Uncertain Significance.

Fulgent Genetics
Classification: Uncertain significance for Dilated cardiomyopathy 1DD. Last evaluated: 2021-11-10. Review status: criteria provided, single submitter. Criteria: ACMG Guidelines, 2015. Collection method: clinical testing. Allele origin: unknown.

Illumina Laboratory Services, Illumina
Classification: Uncertain significance for Dilated cardiomyopathy 1DD. Last evaluated: 2018-01-12. Review status: criteria provided, single submitter. Criteria: ICSL Variant Classification Criteria 13 December 2019. Collection method: clinical testing. Allele origin: germline.